The following is an entry in ClinVar:

NM_001401501.2(MUC16):c.840A>G (p.Leu280=)

Gene: MUC16 (mucin 16, cell surface associated; minus strand). Cytogenetic location: 19p13.2.
Variant type: single nucleotide variant.
Coding change: c.840A>G on transcript NM_001401501.2 (MANE Select); coding-DNA position 840, A replaced by G.
Protein change: p.Leu280=; no amino-acid change (leucine 280 retained).
Molecular consequence: synonymous variant.
Genome position (GRCh38, 1-based): chr19:8,980,419, T>C on the plus strand (A>G on the coding strand, the complement: MUC16 is on the minus strand). VCF-style: chr19-8980419-T-C. GRCh37 (hg19) VCF-style: chr19-9091095-T-C.
Other names: c.1266A>G, p.Leu422= (NM_001414686.1); c.720A>G, p.Leu240= (NM_001414687.1, NM_024690.2).
Identifiers: ClinVar variation 3040880 (VCV003040880.2), dbSNP rs150489711, ClinGen allele CA9173547.

ClinVar aggregate classification (germline): Likely benign (0 of 4 stars; one submission).

Conditions:
MUC16-related disorder. Also called: MUC16-related condition.

Allele frequency attached by ClinVar (database versions not stated): gnomAD exomes 0.00027; ExAC 0.00079; gnomAD 0.00224; 1000 Genomes Project 0.00240; TOPMed 0.00253; ESP Exome Variant Server 0.00280; 1000 Genomes Project 30x 0.00281.

Submission:

PreventionGenetics, part of Exact Sciences
Classification: Likely benign for MUC16-related condition. Last evaluated: 2019-02-18. Review status: no assertion criteria provided. Collection method: clinical testing. Allele origin: germline.
Comment: This variant is classified as likely benign based on ACMG/AMP sequence variant interpretation guidelines (Richards et al. 2015 PMID: 25741868, with internal and published modifications).